The following is an entry in ClinVar:

NM_006660.5(CLPX):c.1038T>C (p.Asn346=)

Gene: CLPX (caseinolytic mitochondrial matrix peptidase chaperone subunit X; minus strand). Cytogenetic location: 15q22.31.
Variant type: single nucleotide variant.
Coding change: c.1038T>C on transcript NM_006660.5 (MANE Select); coding-DNA position 1038, T replaced by C.
Protein change: p.Asn346=; no amino-acid change (asparagine 346 retained).
Molecular consequence: synonymous variant. On other transcripts: non-coding transcript variant (1).
Genome position (GRCh38, 1-based): chr15:65,157,765, A>G on the plus strand (T>C on the coding strand, the complement: CLPX is on the minus strand). VCF-style: chr15-65157765-A-G. GRCh37 (hg19) VCF-style: chr15-65450103-A-G.
Other names: c.1038T>C (NM_006660.4).
Identifiers: ClinVar variation 1654351 (VCV001654351.9), dbSNP rs142142822, ClinGen allele CA7614748.
Genomic context (GRCh38, chr15:65,157,765, plus strand): 5'-CAATATTCTAAATCTGGGGACAGACCATGCTGAAAACATACCTTGTTGTGCTTTTTCCAC[A>G]TTATAATTGGCATCTTGGAGTAGTTTTGCAATCACAGATTCAATATCTTCGCCTACATAT-3'
Protein context (NP_006651.2, residues 336-356): IAKLLQDANY[Asn346=]VEKAQQGIVF

ClinVar aggregate classification (germline): Likely benign. Review status: criteria provided, multiple submitters, no conflicts (2 of 4 stars). 2 submissions from 2 submitters: Likely benign (2). Last evaluated 2026-01-16.

Conditions:
CLPX-related disorder. Also called: CLPX-related condition.

Allele frequency attached by ClinVar (database versions not stated): ExAC 0.00012; ESP Exome Variant Server 0.00015; gnomAD exomes 0.00019 and 0.00034; gnomAD 0.00025 and 0.00027; TOPMed 0.00027.
gnomAD v4.1: 525 of 1,613,088 alleles (0.033%); highest among the groups gnomAD compares: Non-Finnish European, 0.043%; no homozygotes.

Submissions (2):

Labcorp Genetics (formerly Invitae), Labcorp
Classification: Likely benign. Last evaluated: 2026-01-16. Review status: criteria provided, single submitter. Criteria: Invitae Variant Classification Sherloc (09022015). Collection method: clinical testing. Allele origin: germline.

PreventionGenetics, part of Exact Sciences
Classification: Likely benign for CLPX-related condition. Last evaluated: 2025-04-28. Review status: criteria provided, single submitter. Criteria: ACMG Guidelines, 2015. Collection method: clinical testing. Allele origin: germline.
Comment: This variant is classified as likely benign based on ACMG/AMP sequence variant interpretation guidelines (Richards et al. 2015 PMID: 25741868, with internal and published modifications).